The following is an entry in ClinVar:

NM_006031.6(PCNT):c.611C>T (p.Pro204Leu)

Gene: PCNT (pericentrin; plus strand). Cytogenetic location: 21q22.3.
Variant type: single nucleotide variant.
Coding change: c.611C>T on transcript NM_006031.6 (MANE Select); coding-DNA position 611, C replaced by T.
Protein change: p.Pro204Leu; replaces proline 204 with leucine.
Molecular consequence: missense variant.
Genome position (GRCh38, 1-based): chr21:46,334,740, C>T. VCF-style: chr21-46334740-C-T. GRCh37 (hg19) VCF-style: chr21-47754654-C-T.
Other names: c.257C>T, p.Pro86Leu (NM_001315529.2); short protein forms P86L, P204L.
Identifiers: ClinVar variation 4997993 (VCV004997993.1).

ClinVar aggregate classification (germline): Uncertain significance (1 of 4 stars; one submission).

Conditions:
PCNT-related disorder. Also called: PCNT-related condition.

Submission:

PreventionGenetics, part of Exact Sciences
Classification: Uncertain significance for PCNT-related condition. Last evaluated: 2026-07-22. Review status: criteria provided, single submitter. Criteria: ACMG Guidelines, 2015. Collection method: clinical testing. Allele origin: germline.
Comment: The PCNT c.611C>T variant is predicted to result in the amino acid substitution p.Pro204Leu. To our knowledge, this variant has not been reported in the literature or in a large population database (gnomAD), indicating this variant is rare. At this time, the clinical significance of this variant is uncertain due to the absence of conclusive functional and genetic evidence.